The following is an entry in ClinVar:

ClinVar aggregate classification (germline): Pathogenic. Review status: reviewed by expert panel (3 of 4 stars). 2 submissions from 2 submitters: Pathogenic (1). 1 of the submissions does not count toward it. Last evaluated 2016-10-18.

Conditions:
Breast-ovarian cancer, familial, susceptibility to, 1 (BROVCA1). Also called: BRCA1 Hereditary Breast and Ovarian Cancer; OVARIAN CANCER, SUSCEPTIBILITY TO. Identifiers: Orphanet 145, MedGen C2676676, MONDO:0011450, OMIM 604370. Disease mechanism: loss of function.

Submissions (2):

Evidence-based Network for the Interpretation of Germline Mutant Alleles (ENIGMA)
Classification: Pathogenic for Breast-ovarian cancer, familial, susceptibility to, 1. Last evaluated: 2016-10-18. Review status: reviewed by expert panel. Criteria: ENIGMA BRCA1/2 Classification Criteria (2015). Collection method: curation. Allele origin: germline.
Comment: Variant allele predicted to encode a truncated non-functional protein.

Consortium of Investigators of Modifiers of BRCA1/2 (CIMBA), c/o University of Cambridge
Classification: Pathogenic for Breast-ovarian cancer, familial, susceptibility to, 1. Last evaluated: 2015-10-02. Review status: criteria provided, single submitter. Criteria: CIMBA Mutation Classification guidelines May 2016. Collection method: clinical testing. Allele origin: germline. Not counted in ClinVar's aggregate classification.

NM_007294.4(BRCA1):c.3593T>A (p.Leu1198Ter)

Genes: BRCA1 (BRCA1 DNA repair associated; minus strand), LOC126862571 (BRD4-independent group 4 enhancer GRCh37_chr17:41243136-41244335; plus strand). Cytogenetic location: 17q21.31.
Variant type: single nucleotide variant.
Coding change: c.3593T>A on transcript NM_007294.4 (MANE Select); coding-DNA position 3593, T replaced by A.
Protein change: p.Leu1198Ter; replaces leucine 1198 with a stop codon.
Molecular consequence: nonsense. On other transcripts: intron variant (135).
Genome position (GRCh38, 1-based): chr17:43,091,938, A>T on the plus strand (T>A on the coding strand, the complement: BRCA1 is on the minus strand). VCF-style: chr17-43091938-A-T. GRCh37 (hg19) VCF-style: chr17-41243955-A-T.
Other names: 3712T>A; c.3380T>A, p.Leu1127Ter (NM_001407571.1, NM_001407853.1, NM_001407894.1 and 9 more transcripts); c.3593T>A, p.Leu1198Ter (NM_001407581.1, NM_001407582.1, NM_001407583.1 and 30 more transcripts); c.3590T>A, p.Leu1197Ter (NM_001407587.1, NM_001407590.1, NM_001407591.1 and 22 more transcripts); c.3584T>A, p.Leu1195Ter (NM_001407646.1, NM_001407647.1); c.3470T>A, p.Leu1157Ter (NM_001407648.1, NM_001407664.1, NM_001407665.1 and 19 more transcripts); c.3467T>A, p.Leu1156Ter (NM_001407649.1, NM_001407670.1, NM_001407671.1 and 11 more transcripts); c.3515T>A, p.Leu1172Ter (NM_001407653.1, NM_001407654.1, NM_001407655.1 and 4 more transcripts); and 42 more; short protein forms L1198*, L1151*, L1110*, L1171*, L330*, L902*, L1030*, L1071*.
Identifiers: ClinVar variation 54927 (VCV000054927.7), dbSNP rs397509085, ClinGen allele CA002292.
Genomic context (GRCh38, chr17:43,091,938, plus strand): 5'-CTAGATAAGTTCTCTTCTGAGGACTCTAATTTCTTGGCCCCTCTTCGGTAACCCTGAGCC[A>T]AATGTGTATGGGTGAAAGGGCTAGGACTCCTGCTAAGCTCTCCTTTCTGGACGCTTTTGC-3'